The following is an entry in ClinVar:

ClinVar aggregate classification (germline): Uncertain significance (1 of 4 stars; one submission).

Conditions:
Inborn genetic diseases. Identifiers: MedGen C0950123, MeSH D030342.

Submission:

Ambry Genetics
Classification: Uncertain significance for Inborn genetic diseases. Last evaluated: 2021-12-15. Review status: criteria provided, single submitter. Criteria: Ambry Variant Classification Scheme 2023. Collection method: clinical testing. Allele origin: germline.
Comment: This region of the gene is excluded from other biologically relevant transcripts Based on insufficient or conflicting evidence, the clinical significance of this alteration remains unclear.

NM_001170535.3(ATAD3A):c.283-117CA[2]

Gene: ATAD3A (ATPase family AAA domain containing 3A; plus strand). Cytogenetic location: 1p36.33.
Variant type: Microsatellite.
Coding change: c.283-117CA[2] on transcript NM_001170535.3 (MANE Select); two copies in a row of the 2-base unit CA starting at c.283-117.
Molecular consequence: intron variant. On other transcripts: frameshift variant (1).
Genome position: GRCh38 VCF-style: chr1-1517193-GCA-G. GRCh37 (hg19) VCF-style: chr1-1452573-GCA-G.
Other names: c.315_316del, p.Leu106fs (NM_018188.5); c.46-117CA[2] (NM_001170536.3); short protein forms L106fs.
Identifiers: ClinVar variation 2259912 (VCV002259912.2), dbSNP rs1249248797, ClinGen allele CA521010019.